The following is an entry in ClinVar:

ClinVar aggregate classification (germline): Uncertain significance (1 of 4 stars; one submission).

Submission:

Labcorp Genetics (formerly Invitae), Labcorp
Classification: Uncertain significance. Last evaluated: 2022-08-31. Review status: criteria provided, single submitter. Criteria: Invitae Variant Classification Sherloc (09022015). Collection method: clinical testing. Allele origin: germline.
Comment: In summary, the available evidence is currently insufficient to determine the role of this variant in disease. Therefore, it has been classified as a Variant of Uncertain Significance. Algorithms developed to predict the effect of missense changes on protein structure and function output the following: SIFT: "Tolerated"; PolyPhen-2: "Benign"; Align-GVGD: "Class C0". The isoleucine amino acid residue is found in multiple mammalian species, which suggests that this missense change does not adversely affect protein function. This variant has not been reported in the literature in individuals affected with LAMA1-related conditions. This variant is not present in population databases (gnomAD no frequency). This sequence change replaces methionine, which is neutral and non-polar, with isoleucine, which is neutral and non-polar, at codon 1695 of the LAMA1 protein (p.Met1695Ile).

NM_005559.4(LAMA1):c.5085G>C (p.Met1695Ile)

Gene: LAMA1 (laminin subunit alpha 1; minus strand). Cytogenetic location: 18p11.31.
Variant type: single nucleotide variant.
Coding change: c.5085G>C on transcript NM_005559.4 (MANE Select); coding-DNA position 5085, G replaced by C.
Protein change: p.Met1695Ile; replaces methionine 1695 with isoleucine.
Molecular consequence: missense variant.
Genome position (GRCh38, 1-based): chr18:6,992,644, C>G on the plus strand (G>C on the coding strand, the complement: LAMA1 is on the minus strand). VCF-style: chr18-6992644-C-G. GRCh37 (hg19) VCF-style: chr18-6992643-C-G.
Other names: short protein forms M1695I.
Identifiers: ClinVar variation 2061551 (VCV002061551.4), dbSNP rs1421637470, ClinGen allele CA401841196.